The following is an entry in ClinVar:

NM_001194.4(HCN2):c.1976G>A (p.Arg659His)

Gene: HCN2 (hyperpolarization activated cyclic nucleotide gated potassium and sodium channel 2; plus strand). Cytogenetic location: 19p13.3.
Variant type: single nucleotide variant.
Coding change: c.1976G>A on transcript NM_001194.4 (MANE Select); coding-DNA position 1976, G replaced by A.
Protein change: p.Arg659His; replaces arginine 659 with histidine.
Molecular consequence: missense variant.
Genome position (GRCh38, 1-based): chr19:614,002, G>A. VCF-style: chr19-614002-G-A. GRCh37 (hg19) VCF-style: chr19-614002-G-A.
Other names: short protein forms R659H.
Identifiers: ClinVar variation 3381379 (VCV003381379.3).
Genomic context (GRCh38, chr19:614,002, plus strand): 5'-ACGAGGTGCTGGAGGAGTACCCCATGATGCGGCGCGCCTTCGAGACGGTGGCCATCGACC[G>A]CCTGGACCGCATCGGTGAGCGGGCCGGGGGCGTGGCCGGGGCGGGTGCCCTGGCGGGGGA-3'
Protein context (NP_001185.3, residues 649-669): RRAFETVAID[Arg659His]LDRIGKKNSI

ClinVar aggregate classification (germline): Conflicting classifications of pathogenicity. Review status: criteria provided, conflicting classifications (1 of 4 stars). 2 submissions from 2 submitters: Pathogenic (1); Uncertain significance (1). Last evaluated 2026-09-21.

Conditions:
HCN2-related disorder. Also called: HCN2-related condition.

Submissions (2):

Kasturba Medical College, Manipal, Kasturba Medical College, Manipal, Manipal Academy of Higher Education, Manipal, India
Classification: Uncertain significance for HCN2 related disorder. Last evaluated: 2026-09-21. Review status: criteria provided, single submitter. Criteria: ACMG Guidelines, 2015. Collection method: research. Allele origin: de novo. Inheritance: Autosomal dominant inheritance. Affected: yes. Observed: 1 variant allele, 1 heterozygote.
Comment: This variant is absent in homozygous state and present in one individual in the population database gnomAD (v4.1.1). This variant is absent in homozygous and/or heterozygous state in our in-house database of 4350 exomes. The variant is classified as pathogenic in a single submission in the ClinVar database (ClinVar ID: VCV003381379.1). In silico prediction tools (CADD_phred, AlphaMissense) predict the variant to be damaging to HCN2 protein function.

GeneDx
Classification: Pathogenic. Last evaluated: 2025-05-07. Review status: criteria provided, single submitter. Criteria: GeneDx Variant Classification Process June 2021. Collection method: clinical testing. Allele origin: germline.
Comment: Not observed at significant frequency in large population cohorts (gnomAD); In silico analysis supports that this missense variant has a deleterious effect on protein structure/function; Has not been previously published as pathogenic or benign to our knowledge